The following is an entry in ClinVar:

NM_173842.3(IL1RN):c.*310T>C

Gene: IL1RN (interleukin 1 receptor antagonist; plus strand). Cytogenetic location: 2q14.1.
Variant type: single nucleotide variant.
Coding change: c.*310T>C on transcript NM_173842.3 (MANE Select); 310 bases downstream of the stop codon, T replaced by C.
Molecular consequence: 3 prime UTR variant.
Genome position (GRCh38, 1-based): chr2:113,133,181, T>C. VCF-style: chr2-113133181-T-C. GRCh37 (hg19) VCF-style: chr2-113890758-T-C.
Other names: c.*310T>C (NM_000577.5, NM_001318914.2, NM_001379360.1 and 2 more transcripts).
Identifiers: ClinVar variation 330836 (VCV000330836.5), dbSNP rs4252027, ClinGen allele CA10611995.

ClinVar aggregate classification (germline): Likely benign (1 of 4 stars; one submission).

Conditions:
Sterile multifocal osteomyelitis with periostitis and pustulosis. Also called: CHRONIC RECURRENT MULTIFOCAL OSTEOMYELITIS 2, WITH PERIOSTITIS AND PUSTULOSIS. Identifiers: Orphanet 210115, MedGen C2748507, MONDO:0013021, OMIM 612852.

Allele frequency attached by ClinVar (database versions not stated): gnomAD exomes 0.00178; 1000 Genomes Project 0.01258; 1000 Genomes Project 30x 0.01390; gnomAD 0.01540 and 0.01657; TOPMed 0.01728.

Submission:

Illumina Laboratory Services, Illumina
Classification: Likely benign for Sterile multifocal osteomyelitis with periostitis and pustulosis. Last evaluated: 2017-04-27. Review status: criteria provided, single submitter. Criteria: ICSL Variant Classification Criteria 13 December 2019. Collection method: clinical testing. Allele origin: germline.
Comment: This variant was observed as part of a predisposition screen in an ostensibly healthy population. A literature search was performed for the gene, cDNA change, and amino acid change (where applicable). No publications were found based on this search. Allele frequency data from public databases allowed determination this variant is unlikely to cause disease. Therefore, this variant is classified as likely benign.